The following is an entry in ClinVar:

NM_133443.4(GPT2):c.1354G>A (p.Val452Met)

Gene: GPT2 (glutamic--pyruvic transaminase 2; plus strand). Cytogenetic location: 16q11.2.
Variant type: single nucleotide variant.
Coding change: c.1354G>A on transcript NM_133443.4 (MANE Select); coding-DNA position 1354, G replaced by A.
Protein change: p.Val452Met; replaces valine 452 with methionine.
Molecular consequence: missense variant.
Genome position (GRCh38, 1-based): chr16:46,924,530, G>A. VCF-style: chr16-46924530-G-A. GRCh37 (hg19) VCF-style: chr16-46958442-G-A.
Other names: c.1054G>A, p.Val352Met (NM_001142466.3); short protein forms V352M, V452M.
Identifiers: ClinVar variation 2646489 (VCV002646489.24), dbSNP rs147532606, ClinGen allele CA8038890.

ClinVar aggregate classification (germline): Likely benign (1 of 4 stars; one submission).

Allele frequency attached by ClinVar (database versions not stated): ESP Exome Variant Server 0.00008; TOPMed 0.00014; 1000 Genomes Project 30x 0.00016; gnomAD 0.00019; 1000 Genomes Project 0.00020; gnomAD exomes 0.00026; ExAC 0.00047.
gnomAD v4.1: 405 of 1,614,182 alleles (0.025%); highest among the groups gnomAD compares: South Asian, 0.22%; 4 homozygotes.

Submission:

CeGaT Center for Human Genetics Tuebingen
Classification: Likely benign. Last evaluated: 2023-10-01. Review status: criteria provided, single submitter. Criteria: CeGaT Center For Human Genetics Tuebingen Variant Classification Criteria Version 2. Collection method: clinical testing. Allele origin: germline. Affected: yes. Observed: 1 variant allele.
Comment: GPT2: BS2